The following is an entry in ClinVar:

NM_000400.4(ERCC2):c.1424C>A (p.Pro475His)

Gene: ERCC2 (ERCC excision repair 2, TFIIH core complex helicase subunit; minus strand). Cytogenetic location: 19q13.32.
Variant type: single nucleotide variant.
Coding change: c.1424C>A on transcript NM_000400.4 (MANE Select); coding-DNA position 1424, C replaced by A.
Protein change: p.Pro475His; replaces proline 475 with histidine.
Molecular consequence: missense variant.
Genome position (GRCh38, 1-based): chr19:45,357,325, G>T on the plus strand (C>A on the coding strand, the complement: ERCC2 is on the minus strand). VCF-style: chr19-45357325-G-T. GRCh37 (hg19) VCF-style: chr19-45860583-G-T.
Other names: short protein forms P475H.
Identifiers: ClinVar variation 3509880 (VCV003509880.1).
Genomic context (GRCh38, chr19:45,357,325, plus strand): 5'-CTCACCATAGGGCAGAGGCAGACCCGTGCCAGCGTCATGGTGAAGGTTGCCATGGTGACG[G>T]GGTGGAAGTCCAGGATCTTGGGGTAGATGTCCAGCGGGGACAGTGTCTGTGGCGGGACAG-3'
Protein context (NP_000391.1, residues 465-485): DIYPKILDFH[Pro475His]VTMATFTMTL

ClinVar aggregate classification (germline): Uncertain significance (1 of 4 stars; one submission).

Conditions:
Inborn genetic diseases. Identifiers: MedGen C0950123, MeSH D030342.

Submission:

Ambry Genetics
Classification: Uncertain significance for Inborn genetic diseases. Last evaluated: 2024-10-14. Review status: criteria provided, single submitter. Criteria: Ambry Variant Classification Scheme 2023. Collection method: clinical testing. Allele origin: germline.
Comment: The p.P475H variant (also known as c.1424C>A), located in coding exon 15 of the ERCC2 gene, results from a C to A substitution at nucleotide position 1424. The proline at codon 475 is replaced by histidine, an amino acid with similar properties. This amino acid position is conserved. In addition, this alteration is predicted to be deleterious by in silico analysis. Based on the available evidence, the clinical significance of this variant remains unclear.